The following is an entry in ClinVar:

NM_004963.4(GUCY2C):c.956G>A (p.Arg319Gln)

Genes: GUCY2C (guanylate cyclase 2C; minus strand), GUCY2C-AS1 (GUCY2C antisense RNA 1; plus strand). Cytogenetic location: 12p12.3.
Variant type: single nucleotide variant.
Coding change: c.956G>A on transcript NM_004963.4 (MANE Select); coding-DNA position 956, G replaced by A.
Protein change: p.Arg319Gln; replaces arginine 319 with glutamine.
Molecular consequence: missense variant.
Genome position (GRCh38, 1-based): chr12:14,674,753, C>T on the plus strand (G>A on the coding strand, the complement: GUCY2C is on the minus strand). VCF-style: chr12-14674753-C-T. GRCh37 (hg19) VCF-style: chr12-14827687-C-T.
Other names: c.956G>A (NM_004963.3); short protein forms R319Q.
Identifiers: ClinVar variation 1439742 (VCV001439742.8), dbSNP rs145773341, ClinGen allele CA6463593.
Genomic context (GRCh38, chr12:14,674,753, plus strand): 5'-AATATCTTCAGCATATGTCCAAAGAGCAGGATTCCATTCAAATAGGCAAGAGCAAAGTCT[C>T]GTTTTGTCTAAATAAAAAAGGAAAATATTAAAACGGGTCCTTCAAAAAAGAATCTTGTCT-3'
Protein context (NP_004954.2, residues 309-329): SFSRNLSPTK[Arg319Gln]DFALAYLNGI

ClinVar aggregate classification (germline): Uncertain significance. Review status: criteria provided, multiple submitters, no conflicts (2 of 4 stars). 2 submissions from 2 submitters: Uncertain significance (2). Last evaluated 2025-09-22.

Conditions:
Inborn genetic diseases. Identifiers: MedGen C0950123, MeSH D030342.

Allele frequency attached by ClinVar (database versions not stated): ExAC 0.00005; gnomAD 0.00006 and 0.00007; gnomAD exomes 0.00006 and 0.00009; ESP Exome Variant Server 0.00008; TOPMed 0.00008.
gnomAD v4.1: 97 of 1,602,156 alleles (0.0061%); highest among the groups gnomAD compares: African/African-American, 0.0041%; no homozygotes.

Submissions (2):

Labcorp Genetics (formerly Invitae), Labcorp
Classification: Uncertain significance. Last evaluated: 2025-09-22. Review status: criteria provided, single submitter. Criteria: Invitae Variant Classification Sherloc (09022015). Collection method: clinical testing. Allele origin: germline.
Comment: This sequence change replaces arginine, which is basic and polar, with glutamine, which is neutral and polar, at codon 319 of the GUCY2C protein (p.Arg319Gln). This variant is present in population databases (rs145773341, gnomAD 0.2%). This variant has not been reported in the literature in individuals affected with GUCY2C-related conditions. ClinVar contains an entry for this variant (Variation ID: 1439742). Invitae Evidence Modeling of protein sequence and biophysical properties (such as structural, functional, and spatial information, amino acid conservation, physicochemical variation, residue mobility, and thermodynamic stability) indicates that this missense variant is not expected to disrupt GUCY2C protein function with a negative predictive value of 80%. In summary, the available evidence is currently insufficient to determine the role of this variant in disease. Therefore, it has been classified as a Variant of Uncertain Significance.

Ambry Genetics
Classification: Uncertain significance for Inborn genetic diseases. Last evaluated: 2025-06-07. Review status: criteria provided, single submitter. Criteria: Ambry Variant Classification Scheme 2023. Collection method: clinical testing. Allele origin: germline.